The following is an entry in ClinVar:

ClinVar aggregate classification (germline): Pathogenic. Review status: criteria provided, multiple submitters, no conflicts (2 of 4 stars). 2 submissions from 2 submitters: Pathogenic (2). Last evaluated 2024-05-14.

Conditions:
Primary ciliary dyskinesia 3. Identifiers: Orphanet 244, MedGen C1837618, MONDO:0012085, OMIM 608644.
Primary ciliary dyskinesia. Also called: Ciliary dyskinesia. Identifiers: Orphanet 244, MedGen C0008780, MONDO:0016575, HP:0012265.

Allele frequency attached by ClinVar (database versions not stated): ExAC 0.00001; gnomAD exomes below 0.00001; ESP Exome Variant Server 0.00008.
gnomAD v4.1: 7 of 1,610,618 alleles (0.00043%); highest among the groups gnomAD compares: African/African-American, 0.008%; no homozygotes.

Submissions (2):

Myriad Genetics, Inc.
Classification: Pathogenic for Primary ciliary dyskinesia 3. Last evaluated: 2024-05-14. Review status: criteria provided, single submitter. Criteria: Myriad Autosomal Dominant, Autosomal Recessive and X-Linked Classification Criteria (2023). Collection method: clinical testing. Allele origin: unknown.
Comment: NM_001369.2(DNAH5):c.12495T>G(Y4165*) is expected to be pathogenic in the context of primary ciliary dyskinesia, DNAH5-related. This variant is predicted to lead to an abnormal or absent protein product due to the creation of a premature termination codon in DNAH5, a gene where loss-of-function variants are known to be pathogenic. Please note: this variant was assessed in the context of healthy population screening.

Labcorp Genetics (formerly Invitae), Labcorp
Classification: Pathogenic for Primary ciliary dyskinesia. Last evaluated: 2023-04-10. Review status: criteria provided, single submitter. Criteria: Invitae Variant Classification Sherloc (09022015). Collection method: clinical testing. Allele origin: germline.
Comment: For these reasons, this variant has been classified as Pathogenic. ClinVar contains an entry for this variant (Variation ID: 1458474). This variant has not been reported in the literature in individuals affected with DNAH5-related conditions. This variant is present in population databases (rs373536906, gnomAD 0.01%). This sequence change creates a premature translational stop signal (p.Tyr4165*) in the DNAH5 gene. It is expected to result in an absent or disrupted protein product. Loss-of-function variants in DNAH5 are known to be pathogenic (PMID: 11788826, 16627867).

Literature cited by the submitters: PubMed 11788826 (cited by Labcorp Genetics (formerly Invitae), Labcorp); PubMed 16627867 (cited by Labcorp Genetics (formerly Invitae), Labcorp).

NM_001369.3(DNAH5):c.12495T>G (p.Tyr4165Ter)

Gene: DNAH5 (dynein axonemal heavy chain 5; minus strand). Cytogenetic location: 5p15.2.
Variant type: single nucleotide variant.
Coding change: c.12495T>G on transcript NM_001369.3 (MANE Select); coding-DNA position 12495, T replaced by G.
Protein change: p.Tyr4165Ter; replaces tyrosine 4165 with a stop codon.
Molecular consequence: nonsense.
Genome position (GRCh38, 1-based): chr5:13,718,886, A>C on the plus strand (T>G on the coding strand, the complement: DNAH5 is on the minus strand). VCF-style: chr5-13718886-A-C. GRCh37 (hg19) VCF-style: chr5-13718995-A-C.
Other names: short protein forms Y4165*.
Identifiers: ClinVar variation 1458474 (VCV001458474.8), dbSNP rs373536906, ClinGen allele CA3201623.
Genomic context (GRCh38, chr5:13,718,886, plus strand): 5'-GGAAAACAATTTAAGTAAGGAAACTCCTGTAGACTCGCAAGTATTTCTGGACTCACCACT[A>C]TATGTTCTTTTCAGTCCTGCCCGGAGTCCTTGTGGAGGATCGTTGGCAAATTTAATGGAC-3'